The following is an entry in ClinVar:

ClinVar aggregate classification (germline): Uncertain significance (1 of 4 stars; one submission).

Submission:

Women's Health and Genetics/Laboratory Corporation of America, LabCorp
Classification: Uncertain significance. Last evaluated: 2024-01-05. Review status: criteria provided, single submitter. Criteria: LabCorp Variant Classification Summary - May 2015. Collection method: clinical testing. Allele origin: germline.
Comment: Variant summary: KMT2A c.6446G>C (p.Arg2149Pro) results in a non-conservative amino acid change in the encoded protein sequence. Five of five in-silico tools predict a damaging effect of the variant on protein function. The variant was absent in 251350 control chromosomes. The available data on variant occurrences in the general population are insufficient to allow any conclusion about variant significance. To our knowledge, no occurrence of c.6446G>C in individuals affected with Wiedemann-Steiner Syndrome and no experimental evidence demonstrating its impact on protein function have been reported. No submitters have cited clinical-significance assessments for this variant to ClinVar. Based on the evidence outlined above, the variant was classified as uncertain significance.

NM_001197104.2(KMT2A):c.6446G>C (p.Arg2149Pro)

Gene: KMT2A (lysine methyltransferase 2A; plus strand). Cytogenetic location: 11q23.3.
Variant type: single nucleotide variant.
Coding change: c.6446G>C on transcript NM_001197104.2 (MANE Select); coding-DNA position 6446, G replaced by C.
Protein change: p.Arg2149Pro; replaces arginine 2149 with proline.
Molecular consequence: missense variant.
Genome position (GRCh38, 1-based): chr11:118,501,798, G>C. VCF-style: chr11-118501798-G-C. GRCh37 (hg19) VCF-style: chr11-118372513-G-C.
Other names: c.6536G>C, p.Arg2179Pro (NM_001412597.1); c.6437G>C, p.Arg2146Pro (NM_005933.4); short protein forms R2146P, R2149P, R2179P.
Identifiers: ClinVar variation 3063779 (VCV003063779.1), dbSNP rs782124549, ClinGen allele CA382801873.